The following is an entry in ClinVar:

NM_007294.4(BRCA1):c.2979del (p.Lys993fs)

Gene: BRCA1 (BRCA1 DNA repair associated; minus strand). Cytogenetic location: 17q21.31.
Variant type: Deletion.
Coding change: c.2979del on transcript NM_007294.4 (MANE Select); coding-DNA position 2979, one base deleted (A; older notation c.2979delA).
Protein change: p.Lys993fs; shifts the reading frame from lysine 993.
Molecular consequence: frameshift variant. On other transcripts: intron variant (137).
Genome position (GRCh38, 1-based): chr17:43,092,552, T deleted on the plus strand (A on the coding strand, the reverse complement: BRCA1 is on the minus strand); the first of 3 consecutive T bases (chr17:43,092,552-43,092,554); deleting any one gives the same sequence. VCF-style (leftmost placement, unchanged base first): chr17-43092551-AT-A. GRCh37 (hg19) VCF-style: chr17-41244568-AT-A.
Other names: c.2979del, p.Lys993fs (NM_001407854.1, NM_001407858.1, NM_001407859.1 and 30 more transcripts); c.2976del, p.Lys992fs (NM_001407860.1, NM_001407861.1, NM_001407587.1 and 22 more transcripts); c.2778del, p.Lys926fs (NM_001407862.1); c.2856del, p.Lys952fs (NM_001407863.1, NM_001407919.1, NM_001407648.1 and 19 more transcripts); c.2775del, p.Lys925fs (NM_001407874.1, NM_001407875.1); c.2769del, p.Lys923fs (NM_001407879.1, NM_001407881.1, NM_001407882.1 and 13 more transcripts); c.2766del, p.Lys922fs (NM_001407894.1, NM_001407916.1, NM_001407917.1 and 9 more transcripts); c.2970del, p.Lys990fs (NM_001407646.1, NM_001407647.1); and 41 more; short protein forms K923fs, K951fs, K866fs, K881fs, K925fs, K945fs, K946fs, K966fs.
Identifiers: ClinVar variation 2783313 (VCV002783313.3), dbSNP rs34725869, ClinGen allele CA2739265605.
Genomic context (GRCh38, chr17:43,092,551, plus strand): 5'-TTTCTCTTTCAGGTGACATTGAATGTTCCTCAAAGTTTTCCTCTAGCAGATTTTTCTTAC[AT>A]TTAGTTTTAACAAATGACTTGATGGGAAAAAGTGGTGGTATACGATATGGGTTTTGTAAA-3'

ClinVar aggregate classification (germline): Pathogenic (1 of 4 stars; one submission).

Conditions:
Hereditary breast ovarian cancer syndrome. Also called: Hereditary breast and ovarian cancer syndrome; Hereditary breast and ovarian cancer syndrome (HBOC); Hereditary breast and/or ovarian cancer syndrome; Breast and ovarian cancer; Hereditary breast and ovarian cancer; BRCA1- and BRCA2-Associated Hereditary Breast and Ovarian Cancer. Identifiers: Orphanet 145, MedGen C0677776, MeSH D061325, MONDO:0003582. Disease mechanism: loss of function.

Submission:

Labcorp Genetics (formerly Invitae), Labcorp
Classification: Pathogenic for Hereditary breast ovarian cancer syndrome. Last evaluated: 2023-01-18. Review status: criteria provided, single submitter. Criteria: Invitae Variant Classification Sherloc (09022015). Collection method: clinical testing. Allele origin: germline.
Comment: This variant is not present in population databases (gnomAD no frequency). For these reasons, this variant has been classified as Pathogenic. This variant has not been reported in the literature in individuals affected with BRCA1-related conditions. This sequence change creates a premature translational stop signal (p.Lys993Asnfs*7) in the BRCA1 gene. It is expected to result in an absent or disrupted protein product. Loss-of-function variants in BRCA1 are known to be pathogenic (PMID: 20104584).

Literature cited by the submitters: PubMed 20104584.